The following is an entry in ClinVar:

ClinVar aggregate classification (germline): Uncertain significance (1 of 4 stars; one submission).

Conditions:
Hereditary spastic paraplegia 11. Also called: Nakamura Osame syndrome; Autosomal recessive hereditary spastic paraplegia, mental impairment, and thin corpus callosum; Spastic paraplegia, mental retardation and thin corpus callosum; SPASTIC PARAPLEGIA, AUTOSOMAL RECESSIVE, COMPLICATED, WITH THIN CORPUS CALLOSUM; SPASTIC PARAPLEGIA, AUTOSOMAL RECESSIVE, WITH MENTAL IMPAIRMENT AND THIN CORPUS CALLOSUM; Spastic Paraplegia 11. Identifiers: Orphanet 2822, MedGen C1858479, MONDO:0011445, OMIM 604360.

Allele frequency attached by ClinVar (database versions not stated): gnomAD exomes 0.00001.
gnomAD v4.1: 5 of 1,613,562 alleles (0.00031%); highest among the groups gnomAD compares: Non-Finnish European, 0.00042%; no homozygotes.

Submission:

Labcorp Genetics (formerly Invitae), Labcorp
Classification: Uncertain significance for Hereditary spastic paraplegia 11. Last evaluated: 2022-10-13. Review status: criteria provided, single submitter. Criteria: Invitae Variant Classification Sherloc (09022015). Collection method: clinical testing. Allele origin: germline.
Comment: This sequence change replaces tryptophan, which is neutral and slightly polar, with cysteine, which is neutral and slightly polar, at codon 1164 of the SPG11 protein (p.Trp1164Cys). This variant is not present in population databases (gnomAD no frequency). This variant has not been reported in the literature in individuals affected with SPG11-related conditions. ClinVar contains an entry for this variant (Variation ID: 963837). Advanced modeling of protein sequence and biophysical properties (such as structural, functional, and spatial information, amino acid conservation, physicochemical variation, residue mobility, and thermodynamic stability) performed at Invitae indicates that this missense variant is expected to disrupt SPG11 protein function. In summary, the available evidence is currently insufficient to determine the role of this variant in disease. Therefore, it has been classified as a Variant of Uncertain Significance.

NM_025137.4(SPG11):c.3492G>T (p.Trp1164Cys)

Gene: SPG11 (SPG11 vesicle trafficking associated, spatacsin; minus strand). Cytogenetic location: 15q21.1.
Variant type: single nucleotide variant.
Coding change: c.3492G>T on transcript NM_025137.4 (MANE Select); coding-DNA position 3492, G replaced by T.
Protein change: p.Trp1164Cys; replaces tryptophan 1164 with cysteine.
Molecular consequence: missense variant.
Genome position (GRCh38, 1-based): chr15:44,606,053, C>A on the plus strand (G>T on the coding strand, the complement: SPG11 is on the minus strand). VCF-style: chr15-44606053-C-A. GRCh37 (hg19) VCF-style: chr15-44898251-C-A.
Other names: c.3492G>T, p.Trp1164Cys (NM_001160227.2); short protein forms W1164C.
Identifiers: ClinVar variation 963837 (VCV000963837.7), dbSNP rs2083310287, ClinGen allele CA392223808.
Genomic context (GRCh38, chr15:44,606,053, plus strand): 5'-ACATGTCTCAAGAAGTACCCATGATGACTTACCTCCTATAGCTAGTGTGTTAGCAGACTG[C>A]CAGCCAAACAATCTGCTAGGATCAAAGGGTGATAATGACTGAAAAAGGGGAAAAGTTAAA-3'
Protein context (NP_079413.3, residues 1154-1174): SPFDPSRLFG[Trp1164Cys]QSANTLAIGD